The following is an entry in ClinVar:

ClinVar aggregate classification (germline): Uncertain significance (1 of 4 stars; one submission).

Submission:

Labcorp Genetics (formerly Invitae), Labcorp
Classification: Uncertain significance. Last evaluated: 2025-12-09. Review status: criteria provided, single submitter. Criteria: Invitae Variant Classification Sherloc (09022015). Collection method: clinical testing. Allele origin: germline.
Comment: This sequence change replaces alanine, which is neutral and non-polar, with proline, which is neutral and non-polar, at codon 190 of the KRT2 protein (p.Ala190Pro). This variant is not present in population databases (gnomAD no frequency). This variant has not been reported in the literature in individuals affected with KRT2-related conditions. Invitae Evidence Modeling of protein sequence and biophysical properties (such as structural, functional, and spatial information, amino acid conservation, physicochemical variation, residue mobility, and thermodynamic stability) indicates that this missense variant is expected to disrupt KRT2 protein function with a positive predictive value of 80%. In summary, the available evidence is currently insufficient to determine the role of this variant in disease. Therefore, it has been classified as a Variant of Uncertain Significance.

NM_000423.3(KRT2):c.568G>C (p.Ala190Pro)

Gene: KRT2 (keratin 2; minus strand). Cytogenetic location: 12q13.13.
Variant type: single nucleotide variant.
Coding change: c.568G>C on transcript NM_000423.3 (MANE Select); coding-DNA position 568, G replaced by C.
Protein change: p.Ala190Pro; replaces alanine 190 with proline.
Molecular consequence: missense variant.
Genome position (GRCh38, 1-based): chr12:52,651,575, C>G on the plus strand (G>C on the coding strand, the complement: KRT2 is on the minus strand). VCF-style: chr12-52651575-C-G. GRCh37 (hg19) VCF-style: chr12-53045359-C-G.
Other names: short protein forms A190P.
Identifiers: ClinVar variation 4745155 (VCV004745155.1).